The following is an entry in ClinVar:

ClinVar aggregate classification (germline): Pathogenic/Likely pathogenic. Review status: criteria provided, multiple submitters, no conflicts (2 of 4 stars). 2 submissions from 2 submitters: Pathogenic (1); Likely pathogenic (1). Last evaluated 2023-08-23.

Conditions:
Mitochondrial complex I deficiency, nuclear type 9. Also called: Mitochondrial complex 1 deficiency, nuclear type 9. Identifiers: MedGen C4748767, MONDO:0032615, OMIM 618232.

Allele frequency attached by ClinVar (database versions not stated): gnomAD exomes below 0.00001.

Submissions (2):

Baylor Genetics
Classification: Likely pathogenic for Mitochondrial complex I deficiency, nuclear type 9. Last evaluated: 2023-08-23. Review status: criteria provided, single submitter. Criteria: ACMG Guidelines, 2015. Collection method: clinical testing. Allele origin: unknown.

Labcorp Genetics (formerly Invitae), Labcorp
Classification: Pathogenic. Last evaluated: 2023-04-19. Review status: criteria provided, single submitter. Criteria: Invitae Variant Classification Sherloc (09022015). Collection method: clinical testing. Allele origin: germline.
Comment: For these reasons, this variant has been classified as Pathogenic. Algorithms developed to predict the effect of sequence changes on RNA splicing suggest that this variant may create or strengthen a splice site. This variant has not been reported in the literature in individuals affected with NDUFS6-related conditions. This variant is not present in population databases (gnomAD no frequency). This sequence change creates a premature translational stop signal (p.Glu81Glyfs*4) in the NDUFS6 gene. It is expected to result in an absent or disrupted protein product. Loss-of-function variants in NDUFS6 are known to be pathogenic (PMID: 15372108).

Literature cited by the submitters: PubMed 15372108 (cited by Labcorp Genetics (formerly Invitae), Labcorp).

NM_004553.6(NDUFS6):c.242del (p.Glu81fs)

Gene: NDUFS6 (NADH:ubiquinone oxidoreductase subunit S6; plus strand). Cytogenetic location: 5p15.33.
Variant type: Deletion.
Coding change: c.242del on transcript NM_004553.6 (MANE Select); coding-DNA position 242, one base deleted (A; older notation c.242delA).
Protein change: p.Glu81fs; shifts the reading frame from glutamic acid 81.
Molecular consequence: frameshift variant.
Genome position (GRCh38, 1-based): chr5:1,814,394, A deleted. VCF-style (leftmost placement, unchanged base first): chr5-1814393-GA-G. GRCh37 (hg19) VCF-style: chr5-1814507-GA-G.
Other names: short protein forms E81fs.
Identifiers: ClinVar variation 2677002 (VCV002677002.4), dbSNP rs2477240409, ClinGen allele CA2673112399.